The following is an entry in ClinVar:

NM_003200.5(TCF3):c.1373T>A (p.Leu458His)

Gene: TCF3 (transcription factor 3; minus strand). Cytogenetic location: 19p13.3.
Variant type: single nucleotide variant.
Coding change: c.1373T>A on transcript NM_003200.5 (MANE Select); coding-DNA position 1373, T replaced by A.
Protein change: p.Leu458His; replaces leucine 458 with histidine.
Molecular consequence: missense variant.
Genome position (GRCh38, 1-based): chr19:1,619,188, A>T on the plus strand (T>A on the coding strand, the complement: TCF3 is on the minus strand). VCF-style: chr19-1619188-A-T. GRCh37 (hg19) VCF-style: chr19-1619187-A-T.
Other names: c.1373T>A, p.Leu458His (NM_001136139.4, NM_001351779.2); c.1370T>A, p.Leu457His (NM_001351778.2); short protein forms L458H, L457H.
Identifiers: ClinVar variation 1461656 (VCV001461656.6), dbSNP rs1328346433, ClinGen allele CA403052434.

ClinVar aggregate classification (germline): Uncertain significance (1 of 4 stars; one submission).

Allele frequency attached by ClinVar (database versions not stated): gnomAD exomes below 0.00001; TOPMed below 0.00001.
gnomAD v4.1: 6 of 1,600,312 alleles (0.00037%); highest among the groups gnomAD compares: Non-Finnish European, 0.00051%; no homozygotes.

Submission:

Labcorp Genetics (formerly Invitae), Labcorp
Classification: Uncertain significance. Last evaluated: 2025-08-06. Review status: criteria provided, single submitter. Criteria: Invitae Variant Classification Sherloc (09022015). Collection method: clinical testing. Allele origin: germline.
Comment: This sequence change replaces leucine, which is neutral and non-polar, with histidine, which is basic and polar, at codon 458 of the TCF3 protein (p.Leu458His). This variant is not present in population databases (gnomAD no frequency). This variant has not been reported in the literature in individuals affected with TCF3-related conditions. ClinVar contains an entry for this variant (Variation ID: 1461656). Invitae Evidence Modeling of protein sequence and biophysical properties (such as structural, functional, and spatial information, amino acid conservation, physicochemical variation, residue mobility, and thermodynamic stability) indicates that this missense variant is not expected to disrupt TCF3 protein function with a negative predictive value of 80%. In summary, the available evidence is currently insufficient to determine the role of this variant in disease. Therefore, it has been classified as a Variant of Uncertain Significance.